The following is an entry in ClinVar:

NM_001927.4(DES):c.974G>A (p.Arg325Gln)

Gene: DES (desmin; plus strand). Cytogenetic location: 2q35.
Variant type: single nucleotide variant.
Coding change: c.974G>A on transcript NM_001927.4 (MANE Select); coding-DNA position 974, G replaced by A.
Protein change: p.Arg325Gln; replaces arginine 325 with glutamine.
Molecular consequence: missense variant.
Genome position (GRCh38, 1-based): chr2:219,420,904, G>A. VCF-style: chr2-219420904-G-A. GRCh37 (hg19) VCF-style: chr2-220285626-G-A.
Other names: short protein forms R325Q.
Identifiers: ClinVar variation 228554 (VCV000228554.15), dbSNP rs766035912, ClinGen allele CA2125197.

ClinVar aggregate classification (germline): Uncertain significance. Review status: criteria provided, multiple submitters, no conflicts (2 of 4 stars). 4 submissions from 4 submitters: Uncertain significance (4). Last evaluated 2024-03-07.

Conditions:
Desmin-related myofibrillar myopathy (MFM1). Also called: Desminopathy; Myofibrillar myopathy 1; MYOFIBRILLAR MYOPATHY WITH ARRHYTHMOGENIC RIGHT VENTRICULAR CARDIOMYOPATHY; DESMIN-RELATED MYOPATHY WITH ARRHYTHMOGENIC RIGHT VENTRICULAR CARDIOMYOPATHY; Desmin related myopathy (former name); Desmin storage myopathy (former name). Identifiers: Orphanet 363543, Orphanet 98909, MedGen C1832370, MONDO:0011076, OMIM 601419.
Cardiovascular phenotype. Identifiers: MedGen CN230736.

Allele frequency attached by ClinVar (database versions not stated): gnomAD exomes below 0.00001 and 0.00001; ExAC 0.00001.
gnomAD v4.1: 6 of 1,613,816 alleles (0.00037%); highest among the groups gnomAD compares: South Asian, 0.0033%; no homozygotes.

Submissions (4):

Blueprint Genetics
Classification: Uncertain significance. Last evaluated: 2024-03-07. Review status: criteria provided, single submitter. Criteria: ACMG Guidelines, 2015. Collection method: clinical testing. Allele origin: germline.

Ambry Genetics
Classification: Uncertain significance for Cardiovascular phenotype. Last evaluated: 2023-12-15. Review status: criteria provided, single submitter. Criteria: Ambry Variant Classification Scheme 2023. Collection method: clinical testing. Allele origin: germline.
Comment: The p.R325Q variant (also known as c.974G>A), located in coding exon 5 of the DES gene, results from a G to A substitution at nucleotide position 974. The arginine at codon 325 is replaced by glutamine, an amino acid with highly similar properties. This amino acid position is highly conserved in available vertebrate species. In addition, this alteration is predicted to be deleterious by in silico analysis. Since supporting evidence is limited at this time, the clinical significance of this alteration remains unclear.

Labcorp Genetics (formerly Invitae), Labcorp
Classification: Uncertain significance for Desmin-related myofibrillar myopathy. Last evaluated: 2022-07-29. Review status: criteria provided, single submitter. Criteria: Invitae Variant Classification Sherloc (09022015). Collection method: clinical testing. Allele origin: germline.
Comment: This sequence change replaces arginine, which is basic and polar, with glutamine, which is neutral and polar, at codon 325 of the DES protein (p.Arg325Gln). This variant is present in population databases (rs766035912, gnomAD 0.006%). This variant has not been reported in the literature in individuals affected with DES-related conditions. ClinVar contains an entry for this variant (Variation ID: 228554). Algorithms developed to predict the effect of missense changes on protein structure and function (SIFT, PolyPhen-2, Align-GVGD) all suggest that this variant is likely to be disruptive. In summary, the available evidence is currently insufficient to determine the role of this variant in disease. Therefore, it has been classified as a Variant of Uncertain Significance.

Laboratory for Molecular Medicine, Mass General Brigham Personalized Medicine
Classification: Uncertain significance. Last evaluated: 2014-12-19. Review status: criteria provided, single submitter. Criteria: LMM Criteria. Collection method: clinical testing. Allele origin: germline. Observed: 1 variant allele.
Comment: The p.Arg325Gln variant in DES has not been previously reported in individuals w ith cardiomyopathy. It has been detected in 1/16,482 South Asian chromosomes sc reened by the Broad Institute. The affected am ino acid is conserved in evolution, suggesting that a change may not be tolerate d. However, this is not predictive enough to imply pathogenicity. In summary, t he clinical significance of the p.Arg325Gln variant is uncertain.